The following is an entry in ClinVar:

NM_001199138.2(NLRC4):c.1874A>G (p.Glu625Gly)

Gene: NLRC4 (NLR family CARD domain containing 4; minus strand). Cytogenetic location: 2p22.3.
Variant type: single nucleotide variant.
Coding change: c.1874A>G on transcript NM_001199138.2 (MANE Select); coding-DNA position 1874, A replaced by G.
Protein change: p.Glu625Gly; replaces glutamic acid 625 with glycine.
Molecular consequence: missense variant. On other transcripts: intron variant (1).
Genome position (GRCh38, 1-based): chr2:32,249,990, T>C on the plus strand (A>G on the coding strand, the complement: NLRC4 is on the minus strand). VCF-style: chr2-32249990-T-C. GRCh37 (hg19) VCF-style: chr2-32475059-T-C.
Other names: c.1874A>G, p.Glu625Gly (NM_001199139.2, NM_021209.5); c.262+2429A>G (NM_001302504.1); short protein forms E625G.
Identifiers: ClinVar variation 2922964 (VCV002922964.4), dbSNP rs2466757617, ClinGen allele CA346511510.

ClinVar aggregate classification (germline): Uncertain significance. Review status: criteria provided, multiple submitters, no conflicts (2 of 4 stars). 2 submissions from 2 submitters: Uncertain significance (2). Last evaluated 2025-12-10.

Conditions:
Periodic fever-infantile enterocolitis-autoinflammatory syndrome. Also called: Autoinflammation with infantile enterocolitis. Identifiers: Orphanet 436166, MedGen C4015067, MONDO:0014472, OMIM 616050.
Familial cold autoinflammatory syndrome 4 (FCAS4). Identifiers: Orphanet 47045, Orphanet 576349, MedGen C4015276, MONDO:0014498, OMIM 616115.
Inborn genetic diseases. Identifiers: MedGen C0950123, MeSH D030342.

Submissions (2):

Ambry Genetics
Classification: Uncertain significance for Inborn genetic diseases. Last evaluated: 2025-12-10. Review status: criteria provided, single submitter. Criteria: Ambry Variant Classification Scheme 2023. Collection method: clinical testing. Allele origin: germline.

Labcorp Genetics (formerly Invitae), Labcorp
Classification: Uncertain significance for Periodic fever-infantile enterocolitis-autoinflammatory syndrome; Familial cold autoinflammatory syndrome 4. Last evaluated: 2023-11-04. Review status: criteria provided, single submitter. Criteria: Invitae Variant Classification Sherloc (09022015). Collection method: clinical testing. Allele origin: germline.
Comment: This sequence change replaces glutamic acid, which is acidic and polar, with glycine, which is neutral and non-polar, at codon 625 of the NLRC4 protein (p.Glu625Gly). This variant is not present in population databases (gnomAD no frequency). This variant has not been reported in the literature in individuals affected with NLRC4-related conditions. Advanced modeling of protein sequence and biophysical properties (such as structural, functional, and spatial information, amino acid conservation, physicochemical variation, residue mobility, and thermodynamic stability) performed at Invitae indicates that this missense variant is not expected to disrupt NLRC4 protein function with a negative predictive value of 80%. In summary, the available evidence is currently insufficient to determine the role of this variant in disease. Therefore, it has been classified as a Variant of Uncertain Significance.